The following is an entry in ClinVar:

NM_001098426.2(SMARCD2):c.34C>T (p.Pro12Ser)

Gene: SMARCD2 (SWI/SNF related BAF chromatin remodeling complex subunit D2; minus strand). Cytogenetic location: 17q23.3.
Variant type: single nucleotide variant.
Coding change: c.34C>T on transcript NM_001098426.2 (MANE Select); coding-DNA position 34, C replaced by T.
Protein change: p.Pro12Ser; replaces proline 12 with serine.
Molecular consequence: missense variant.
Genome position (GRCh38, 1-based): chr17:63,842,641, G>A on the plus strand (C>T on the coding strand, the complement: SMARCD2 is on the minus strand). VCF-style: chr17-63842641-G-A. GRCh37 (hg19) VCF-style: chr17-61920001-G-A.
Other names: short protein forms P12S.
Identifiers: ClinVar variation 1937617 (VCV001937617.5), dbSNP rs928769045, ClinGen allele CA292957793.

ClinVar aggregate classification (germline): Uncertain significance (1 of 4 stars; one submission).

Allele frequency attached by ClinVar (database versions not stated): gnomAD 0.00001.

Submission:

Labcorp Genetics (formerly Invitae), Labcorp
Classification: Uncertain significance. Last evaluated: 2025-12-08. Review status: criteria provided, single submitter. Criteria: Invitae Variant Classification Sherloc (09022015). Collection method: clinical testing. Allele origin: germline.
Comment: This sequence change replaces proline, which is neutral and non-polar, with serine, which is neutral and polar, at codon 12 of the SMARCD2 protein (p.Pro12Ser). This variant is not present in population databases (gnomAD no frequency). This variant has not been reported in the literature in individuals affected with SMARCD2-related conditions. ClinVar contains an entry for this variant (Variation ID: 1937617). Experimental studies and prediction algorithms are not available or were not evaluated, and the functional significance of this variant is currently unknown. In summary, the available evidence is currently insufficient to determine the role of this variant in disease. Therefore, it has been classified as a Variant of Uncertain Significance.